The following is an entry in ClinVar:

ClinVar aggregate classification (germline): Uncertain significance. Review status: criteria provided, multiple submitters, no conflicts (2 of 4 stars). 2 submissions from 2 submitters: Uncertain significance (2). Last evaluated 2026-03-26.

Conditions:
Inborn genetic diseases. Identifiers: MedGen C0950123, MeSH D030342.
SCAPER-related disorder. Also called: SCAPER-related condition.

gnomAD v4.1: 29 of 1,569,382 alleles (0.0018%); highest among the groups gnomAD compares: Middle Eastern, 0.023%; no homozygotes.

Submissions (2):

PreventionGenetics, part of Exact Sciences
Classification: Uncertain significance for SCAPER-related condition. Last evaluated: 2026-03-26. Review status: criteria provided, single submitter. Criteria: ACMG Guidelines, 2015. Collection method: clinical testing. Allele origin: germline.
Comment: The SCAPER c.2611C>T variant is predicted to result in the amino acid substitution p.Arg871Trp. To our knowledge, this variant has not been reported in the literature. This variant is reported in 0.0082% of alleles in individuals of African descent in gnomAD. At this time, the clinical significance of this variant is uncertain due to the absence of conclusive functional and genetic evidence.

Ambry Genetics
Classification: Uncertain significance for Inborn genetic diseases. Last evaluated: 2023-12-20. Review status: criteria provided, single submitter. Criteria: Ambry Variant Classification Scheme 2023. Collection method: clinical testing. Allele origin: germline.

NM_020843.4(SCAPER):c.2593C>T (p.Arg865Trp)

Gene: SCAPER (S-phase cyclin A associated protein in the ER; minus strand). Cytogenetic location: 15q24.3.
Variant type: single nucleotide variant.
Coding change: c.2593C>T on transcript NM_020843.4 (MANE Select); coding-DNA position 2593, C replaced by T.
Protein change: p.Arg865Trp; replaces arginine 865 with tryptophan.
Molecular consequence: missense variant. On other transcripts: non-coding transcript variant (1).
Genome position (GRCh38, 1-based): chr15:76,665,705, G>A on the plus strand (C>T on the coding strand, the complement: SCAPER is on the minus strand). VCF-style: chr15-76665705-G-A. GRCh37 (hg19) VCF-style: chr15-76958046-G-A.
Other names: c.2611C>T (NM_001353009.1); c.1855C>T, p.Arg619Trp (NM_001145923.2); c.2611C>T, p.Arg871Trp (NM_001353009.2); c.2191C>T, p.Arg731Trp (NM_001353010.2, NM_001353012.2); c.2209C>T, p.Arg737Trp (NM_001353011.2); short protein forms R871W, R737W, R865W, R619W, R731W.
Identifiers: ClinVar variation 3158287 (VCV003158287.2), dbSNP rs772597677, ClinGen allele CA7674671.